The following is an entry in ClinVar:

NM_153816.6(SNX14):c.2149-4del

Gene: SNX14 (sorting nexin 14; minus strand). Cytogenetic location: 6q14.3.
Variant type: Deletion.
Coding change: c.2149-4del on transcript NM_153816.6 (MANE Select); 4 bases into the intron before coding-DNA position 2149, one base deleted (A; older notation c.2149-4delA).
Molecular consequence: intron variant.
Genome position (GRCh38, 1-based): chr6:85,517,879, T deleted on the plus strand (A on the coding strand, the reverse complement: SNX14 is on the minus strand). VCF-style (leftmost placement, unchanged base first): chr6-85517878-GT-G. GRCh37 (hg19) VCF-style: chr6-86227596-GT-G.
Other names: c.1858-4del (NM_001350543.2); c.1990-4del (NM_001350539.2, NM_020468.6); c.1861-4del (NM_001350542.2); c.1705-4del (NM_001350546.2, NM_001350545.2); c.1099-4del (NM_001350547.2); c.1849-4del (NM_001350544.2); c.967-4del (NM_001350553.2); c.994-4del (NM_001350549.2, NM_001350548.2, NM_001350551.2 and 2 more transcripts); and 9 more.
Identifiers: ClinVar variation 1700475 (VCV001700475.4), dbSNP rs529960318, ClinGen allele CA3911931.
Genomic context (GRCh38, chr6:85,517,878, plus strand): 5'-TTGGAGACTCACAAGAATTAATGAAATTCATGATAAAAGGTTCCAAATGCTGACCTTTCT[GT>G]GGTGATAGATTATTGTAAGAAAATAAAAAATAAAGGTAATTTTTAGTACATAATCCAGCA-3'

ClinVar aggregate classification (germline): Conflicting classifications of pathogenicity. Review status: criteria provided, conflicting classifications (1 of 4 stars). 2 submissions from 2 submitters: Uncertain significance (1); Likely benign (1). Last evaluated 2024-11-28.

Allele frequency attached by ClinVar (database versions not stated): gnomAD exomes 0.00004 and 0.00014; ExAC 0.00015; gnomAD 0.00036; TOPMed 0.00043; ESP Exome Variant Server 0.00056; 1000 Genomes Project 0.00060; 1000 Genomes Project 30x 0.00062.

Submissions (2):

Labcorp Genetics (formerly Invitae), Labcorp
Classification: Likely benign. Last evaluated: 2024-11-28. Review status: criteria provided, single submitter. Criteria: Invitae Variant Classification Sherloc (09022015). Collection method: clinical testing. Allele origin: germline.

GeneDx
Classification: Uncertain significance. Last evaluated: 2022-08-02. Review status: criteria provided, single submitter. Criteria: GeneDx Variant Classification Process June 2021. Collection method: clinical testing. Allele origin: germline. Affected: yes.
Comment: In silico analysis supports a deleterious effect on splicing; Has not been previously published as pathogenic or benign to our knowledge